The following is an entry in ClinVar:

ClinVar aggregate classification (germline): Likely benign (0 of 4 stars; one submission).

Conditions:
SH2B1-related disorder. Also called: SH2B1-related condition.

gnomAD v4.1: 46 of 1,582,482 alleles (0.0029%); highest among the groups gnomAD compares: Non-Finnish European, 0.0037%; no homozygotes.

Submission:

PreventionGenetics, part of Exact Sciences
Classification: Likely benign for SH2B1-related condition. Last evaluated: 2020-03-20. Review status: no assertion criteria provided. Collection method: clinical testing. Allele origin: germline.
Comment: This variant is classified as likely benign based on ACMG/AMP sequence variant interpretation guidelines (Richards et al. 2015 PMID: 25741868, with internal and published modifications).

NM_001387430.1(SH2B1):c.690G>A (p.Arg230=)

Gene: SH2B1 (SH2B adaptor protein 1; plus strand). Cytogenetic location: 16p11.2.
Variant type: single nucleotide variant.
Coding change: c.690G>A on transcript NM_001387430.1 (MANE Select); coding-DNA position 690, G replaced by A.
Protein change: p.Arg230=; no amino-acid change (arginine 230 retained).
Molecular consequence: synonymous variant. On other transcripts: intron variant (1).
Genome position (GRCh38, 1-based): chr16:28,866,784, G>A. VCF-style: chr16-28866784-G-A. GRCh37 (hg19) VCF-style: chr16-28878105-G-A.
Other names: c.690G>A, p.Arg230= (NM_001145795.2, NM_001145796.2, NM_001145797.2 and 4 more transcripts); c.-26-590G>A (NM_001308294.2).
Identifiers: ClinVar variation 3350323 (VCV003350323.1).